The following is an entry in ClinVar:

NM_007363.5(NONO):c.651-1G>C

Gene: NONO (non-POU domain containing octamer binding; plus strand). Cytogenetic location: Xq13.1.
Variant type: single nucleotide variant.
Coding change: c.651-1G>C on transcript NM_007363.5 (MANE Select); the canonical splice acceptor site of the intron before coding-DNA position 651, G replaced by C.
Molecular consequence: splice acceptor variant.
Genome position (GRCh38, 1-based): chrX:71,296,564, G>C. VCF-style: chrX-71296564-G-C. GRCh37 (hg19) VCF-style: chrX-70516414-G-C.
Other names: c.651-1G>C (NM_001145408.2, NM_001145409.2); c.384-1G>C (NM_001145410.2).
Identifiers: ClinVar variation 873448 (VCV000873448.2), dbSNP rs2031456898, ClinGen allele CA413542858.
Genomic context (GRCh38, chrX:71,296,564, plus strand): 5'-GTAGAGAAGAAGCCTGGTGGGGTATGATTTGATTAACACTGAACTTTGTTCTTTCTTCCA[G>C]ATTTCCTCGTCCTGTGACTGTGGAGCCCATGGACCAGTTAGATGATGAAGAGGGACTTCC-3'

ClinVar aggregate classification (germline): Likely pathogenic. Review status: criteria provided, multiple submitters, no conflicts (2 of 4 stars). 2 submissions from 2 submitters: Likely pathogenic (2). Last evaluated 2025-09-25.

Conditions:
Intellectual developmental disorder, X-linked, syndromic 34. Also called: Syndromic X-linked intellectual disability 34; MENTAL RETARDATION, X-LINKED, SYNDROMIC, MIRCSOF-LANGOUET TYPE. Identifiers: Orphanet 466791, MedGen C4225417, MONDO:0010501, OMIM 300967.

Submissions (2):

GeneDx
Classification: Likely pathogenic. Last evaluated: 2025-09-25. Review status: criteria provided, single submitter. Criteria: GeneDx Variant Classification Process June 2021. Collection method: clinical testing. Allele origin: germline. Affected: yes.
Comment: Canonical splice site variant predicted to result in an in-frame loss of the adjacent exon in a gene for which loss of function is a known mechanism of disease; Not observed at significant frequency in large population cohorts (gnomAD); This variant is associated with the following publications: (PMID: 38469091, 36426740)

Institute of Human Genetics, University of Leipzig Medical Center
Classification: Likely pathogenic for Intellectual developmental disorder, X-linked, syndromic 34. Last evaluated: 2019-10-16. Review status: criteria provided, single submitter. Criteria: ACMG Guidelines, 2015. Collection method: clinical testing. Allele origin: germline. Affected: yes.